The following is an entry in ClinVar:

NM_001242896.3(DEPDC5):c.2465C>T (p.Pro822Leu)

Gene: DEPDC5 (DEP domain containing 5, GATOR1 subcomplex subunit; plus strand). Cytogenetic location: 22q12.3.
Variant type: single nucleotide variant.
Coding change: c.2465C>T on transcript NM_001242896.3 (MANE Select); coding-DNA position 2465, C replaced by T.
Protein change: p.Pro822Leu; replaces proline 822 with leucine.
Molecular consequence: missense variant. On other transcripts: non-coding transcript variant (5).
Genome position (GRCh38, 1-based): chr22:31,838,795, C>T. VCF-style: chr22-31838795-C-T. GRCh37 (hg19) VCF-style: chr22-32234781-C-T.
Other names: c.2438C>T, p.Pro813Leu (NM_001136029.4, NM_001369903.1, NM_014662.6); c.2231C>T, p.Pro744Leu (NM_001242897.2, NM_001363854.2, NM_001364319.2); c.2465C>T, p.Pro822Leu (NM_001363852.2, NM_001364318.2, NM_001364320.2); c.2381C>T, p.Pro794Leu (NM_001369901.1, NM_001369902.1); c.2465C>T (NM_001242896.1); short protein forms P744L, P794L, P813L, P822L.
Identifiers: ClinVar variation 2049910 (VCV002049910.5), dbSNP rs746372266, ClinGen allele CA411287622.

ClinVar aggregate classification (germline): Uncertain significance. Review status: criteria provided, multiple submitters, no conflicts (2 of 4 stars). 2 submissions from 2 submitters: Uncertain significance (2). Last evaluated 2024-11-13.

Conditions:
Familial focal epilepsy with variable foci (FPEVF). Identifiers: Orphanet 98820, MedGen C1858477, MONDO:0020310.

Submissions (2):

GeneDx
Classification: Uncertain significance. Last evaluated: 2024-11-13. Review status: criteria provided, single submitter. Criteria: GeneDx Variant Classification Process June 2021. Collection method: clinical testing. Allele origin: germline. Affected: yes.
Comment: Not observed at significant frequency in large population cohorts (gnomAD); In silico analysis indicates that this missense variant does not alter protein structure/function; Has not been previously published as pathogenic or benign to our knowledge

Labcorp Genetics (formerly Invitae), Labcorp
Classification: Uncertain significance for Familial focal epilepsy with variable foci. Last evaluated: 2022-02-08. Review status: criteria provided, single submitter. Criteria: Invitae Variant Classification Sherloc (09022015). Collection method: clinical testing. Allele origin: germline.
Comment: Algorithms developed to predict the effect of missense changes on protein structure and function are either unavailable or do not agree on the potential impact of this missense change (SIFT: "Tolerated"; PolyPhen-2: "Not Available"; Align-GVGD: "Class C0"). In summary, the available evidence is currently insufficient to determine the role of this variant in disease. Therefore, it has been classified as a Variant of Uncertain Significance. This variant has not been reported in the literature in individuals affected with DEPDC5-related conditions. This variant is not present in population databases (gnomAD no frequency). This sequence change replaces proline, which is neutral and non-polar, with leucine, which is neutral and non-polar, at codon 822 of the DEPDC5 protein (p.Pro822Leu).